The following is an entry in ClinVar:

NM_001958.5(EEF1A2):c.1334GCG[2] (p.Gly447del)

Gene: EEF1A2 (eukaryotic translation elongation factor 1 alpha 2; minus strand). Cytogenetic location: 20q13.33.
Variant type: Microsatellite.
Coding change: c.1334GCG[2] on transcript NM_001958.5 (MANE Select); two copies in a row of the 3-base unit GCG starting at c.1334; the reference has three copies in a row; one copy, 3 bases deleted.
Protein change: p.Gly447del; deletes glycine 447.
Genome position (GRCh38, 1-based): chr20:63,488,348-63,488,350, CGC deleted on the plus strand (GCG on the coding strand, the reverse complement: EEF1A2 is on the minus strand); deleting any 3 consecutive bases within chr20:63,488,348-63,488,356 gives the same sequence; the position shown is the placement nearest the transcript's 3' end. VCF-style (leftmost placement, unchanged base first): chr20-63488347-GCGC-G. GRCh37 (hg19) VCF-style: chr20-62119700-GCGC-G.
Other names: short protein forms G447del.
Identifiers: ClinVar variation 3655042 (VCV003655042.2).

ClinVar aggregate classification (germline): Uncertain significance (1 of 4 stars; one submission).

Conditions:
Developmental and epileptic encephalopathy, 33 (DEE33). Also called: Epileptic encephalopathy, early infantile, 33. Identifiers: Orphanet 442835, MedGen C4225337, MONDO:0014625, OMIM 616409.

Submission:

Labcorp Genetics (formerly Invitae), Labcorp
Classification: Uncertain significance for Developmental and epileptic encephalopathy, 33. Last evaluated: 2025-06-08. Review status: criteria provided, single submitter. Criteria: Invitae Variant Classification Sherloc (09022015). Collection method: clinical testing. Allele origin: germline.
Comment: This variant, c.1340_1342del, results in the deletion of 1 amino acid(s) of the EEF1A2 protein (p.Gly447del), but otherwise preserves the integrity of the reading frame. This variant is not present in population databases (gnomAD no frequency). This variant has not been reported in the literature in individuals affected with EEF1A2-related conditions. Experimental studies and prediction algorithms are not available or were not evaluated, and the functional significance of this variant is currently unknown. In summary, the available evidence is currently insufficient to determine the role of this variant in disease. Therefore, it has been classified as a Variant of Uncertain Significance.